The following is an entry in ClinVar:

NM_001367624.2(ZNF469):c.5203G>A (p.Ala1735Thr)

Gene: ZNF469 (zinc finger protein 469; plus strand). Cytogenetic location: 16q24.2.
Variant type: single nucleotide variant.
Coding change: c.5203G>A on transcript NM_001367624.2 (MANE Select); coding-DNA position 5203, G replaced by A.
Protein change: p.Ala1735Thr; replaces alanine 1735 with threonine.
Molecular consequence: missense variant.
Genome position (GRCh38, 1-based): chr16:88,432,673, G>A. VCF-style: chr16-88432673-G-A. GRCh37 (hg19) VCF-style: chr16-88499081-G-A.
Other names: NM_001127464.1:c.5119G>A; short protein forms A1735T.
Identifiers: ClinVar variation 1213177 (VCV001213177.7), dbSNP rs1906283142, ClinGen allele CA397095795.

ClinVar aggregate classification (germline): Uncertain significance. Review status: criteria provided, multiple submitters, no conflicts (2 of 4 stars). 3 submissions from 3 submitters: Uncertain significance (3). Last evaluated 2025-03-15.

Conditions:
Cardiovascular phenotype. Identifiers: MedGen CN230736.

Allele frequency attached by ClinVar (database versions not stated): gnomAD exomes below 0.00001; TOPMed below 0.00001; gnomAD 0.00001.
gnomAD v4.1: 3 of 1,550,318 alleles (0.00019%); highest among the groups gnomAD compares: Non-Finnish European, 0.00026%; no homozygotes.

Submissions (3):

GeneDx
Classification: Uncertain significance. Last evaluated: 2025-03-15. Review status: criteria provided, single submitter. Criteria: GeneDx Variant Classification Process June 2021. Collection method: clinical testing. Allele origin: germline. Affected: yes.
Comment: Not observed at significant frequency in large population cohorts (gnomAD); In silico analysis indicates that this missense variant does not alter protein structure/function; Has not been previously published as pathogenic or benign to our knowledge

Ambry Genetics
Classification: Uncertain significance for Cardiovascular phenotype. Last evaluated: 2023-09-30. Review status: criteria provided, single submitter. Criteria: Ambry Variant Classification Scheme 2023. Collection method: clinical testing. Allele origin: germline.
Comment: The p.A1707T variant (also known as c.5119G>A), located in coding exon 2 of the ZNF469 gene, results from a G to A substitution at nucleotide position 5119. The alanine at codon 1707 is replaced by threonine, an amino acid with similar properties. This amino acid position is conserved. In addition, this alteration is predicted to be tolerated by in silico analysis. Since supporting evidence is limited at this time, the clinical significance of this alteration remains unclear.

Labcorp Genetics (formerly Invitae), Labcorp
Classification: Uncertain significance. Last evaluated: 2022-08-03. Review status: criteria provided, single submitter. Criteria: Invitae Variant Classification Sherloc (09022015). Collection method: clinical testing. Allele origin: germline.
Comment: This sequence change replaces alanine, which is neutral and non-polar, with threonine, which is neutral and polar, at codon 1707 of the ZNF469 protein (p.Ala1707Thr). This variant is not present in population databases (gnomAD no frequency). This variant has not been reported in the literature in individuals affected with ZNF469-related conditions. ClinVar contains an entry for this variant (Variation ID: 1213177). Algorithms developed to predict the effect of missense changes on protein structure and function are either unavailable or do not agree on the potential impact of this missense change (SIFT: "Tolerated"; PolyPhen-2: "Possibly Damaging"; Align-GVGD: "Class C0"). In summary, the available evidence is currently insufficient to determine the role of this variant in disease. Therefore, it has been classified as a Variant of Uncertain Significance.